The following is an entry in ClinVar:

ClinVar aggregate classification (germline): Likely pathogenic (1 of 4 stars; one submission).

Conditions:
Spastic paraplegia. Identifiers: MedGen C0037772, HP:0001258.

Submission:

Labcorp Genetics (formerly Invitae), Labcorp
Classification: Likely pathogenic for Spastic paraplegia. Last evaluated: 2022-05-04. Review status: criteria provided, single submitter. Criteria: Invitae Variant Classification Sherloc (09022015). Collection method: clinical testing. Allele origin: germline.
Comment: In summary, the currently available evidence indicates that the variant is pathogenic, but additional data are needed to prove that conclusively. Therefore, this variant has been classified as Likely Pathogenic. Variants that disrupt the consensus splice site are a relatively common cause of aberrant splicing (PMID: 17576681, 9536098). Algorithms developed to predict the effect of sequence changes on RNA splicing suggest that this variant may disrupt the consensus splice site. ClinVar contains an entry for this variant (Variation ID: 237781). This variant has been observed in individual(s) with L1CAM-related conditions (Invitae). This variant is not present in population databases (gnomAD no frequency). This sequence change falls in intron 7 of the L1CAM gene. It does not directly change the encoded amino acid sequence of the L1CAM protein. It affects a nucleotide within the consensus splice site.

Literature cited by the submitters: PubMed 17576681; PubMed 9536098.

NM_001278116.2(L1CAM):c.806+5G>A

Gene: L1CAM (L1 cell adhesion molecule; minus strand). Cytogenetic location: Xq28.
Variant type: single nucleotide variant.
Coding change: c.806+5G>A on transcript NM_001278116.2 (MANE Select); 5 bases into the intron after coding-DNA position 806, G replaced by A.
Molecular consequence: intron variant.
Genome position (GRCh38, 1-based): chrX:153,870,383, C>T on the plus strand (G>A on the coding strand, the complement: L1CAM is on the minus strand). VCF-style: chrX-153870383-C-T. GRCh37 (hg19) VCF-style: chrX-153135838-C-T.
Other names: c.791+5G>A (NM_001143963.2); c.806+5G>A (NM_024003.3, NM_000425.5).
Identifiers: ClinVar variation 237781 (VCV000237781.6), dbSNP rs878853979, ClinGen allele CA10583933.
Genomic context (GRCh38, chrX:153,870,383, plus strand): 5'-TGAGCTCCCTGCTAGGGCTCCGCCACCCTGCCCTGCCCTGCCCTGCCCTGGGTTCCCAGA[C>T]TCACAAGCCCTCGGCGATGCACTCCAGGACCAATGGCTGCCCCTGCAAGGCCACCAGGTG-3'